The following is an entry in ClinVar:

NM_014845.6(FIG4):c.1948+3A>T

Gene: FIG4 (FIG4 phosphoinositide 5-phosphatase; plus strand). Cytogenetic location: 6q21.
Variant type: single nucleotide variant.
Coding change: c.1948+3A>T on transcript NM_014845.6 (MANE Select); 3 bases into the intron after coding-DNA position 1948, A replaced by T.
Molecular consequence: intron variant.
Genome position (GRCh38, 1-based): chr6:109,785,031, A>T. VCF-style: chr6-109785031-A-T. GRCh37 (hg19) VCF-style: chr6-110106234-A-T.
Identifiers: ClinVar variation 1925462 (VCV001925462.5), dbSNP rs10499054, ClinGen allele CA3956235.

ClinVar aggregate classification (germline): Uncertain significance (1 of 4 stars; one submission).

Conditions:
Charcot-Marie-Tooth disease type 4. Also called: Charcot-Marie-Tooth disease, type IV; Charcot-Marie-Tooth, Type 4. Identifiers: Orphanet 64749, MedGen C4082197, MONDO:0018995.

gnomAD v4.1: 4 of 1,526,332 alleles (0.00026%); highest among the groups gnomAD compares: South Asian, 0.0045%; no homozygotes.

Submission:

Labcorp Genetics (formerly Invitae), Labcorp
Classification: Uncertain significance for Charcot-Marie-Tooth disease type 4. Last evaluated: 2022-07-05. Review status: criteria provided, single submitter. Criteria: Invitae Variant Classification Sherloc (09022015). Collection method: clinical testing. Allele origin: germline.
Comment: In summary, the available evidence is currently insufficient to determine the role of this variant in disease. Therefore, it has been classified as a Variant of Uncertain Significance. Variants that disrupt the consensus splice site are a relatively common cause of aberrant splicing (PMID: 17576681, 9536098). Algorithms developed to predict the effect of sequence changes on RNA splicing suggest that this variant is not likely to affect RNA splicing. This variant has not been reported in the literature in individuals affected with FIG4-related conditions. This variant is present in population databases (rs10499054, gnomAD 0.01%). This sequence change falls in intron 17 of the FIG4 gene. It does not directly change the encoded amino acid sequence of the FIG4 protein. It affects a nucleotide within the consensus splice site.

Literature cited by the submitters: PubMed 17576681; PubMed 9536098.